The following is an entry in ClinVar:

ClinVar aggregate classification (germline): Uncertain significance (1 of 4 stars; one submission).

Submission:

GeneDx
Classification: Uncertain significance. Last evaluated: 2019-10-28. Review status: criteria provided, single submitter. Criteria: GeneDx Variant Classification Process June 2021. Collection method: clinical testing. Allele origin: germline. Affected: yes.
Comment: Not observed in large population cohorts (Lek et al., 2016); In silico analysis, which includes splice predictors and evolutionary conservation, supports that this variant does not alter protein structure/function; Has not been previously published as pathogenic or benign to our knowledge

NM_001854.4(COL11A1):c.898-196A>G

Gene: COL11A1 (collagen type XI alpha 1 chain; minus strand). Cytogenetic location: 1p21.1.
Variant type: single nucleotide variant.
Coding change: c.898-196A>G on transcript NM_001854.4 (MANE Select); 196 bases into the intron before coding-DNA position 898, A replaced by G.
Molecular consequence: intron variant. On other transcripts: synonymous variant (1).
Genome position (GRCh38, 1-based): chr1:103,025,809, T>C on the plus strand (A>G on the coding strand, the complement: COL11A1 is on the minus strand). VCF-style: chr1-103025809-T-C. GRCh37 (hg19) VCF-style: chr1-103491365-T-C.
Other names: c.924A>G, p.Leu308= (NM_080629.3); c.781-196A>G (NM_001190709.2); c.897+407A>G (NM_080630.4).
Identifiers: ClinVar variation 1309443 (VCV001309443.2), dbSNP rs2101962872, ClinGen allele CA2573051330.